The following is an entry in ClinVar:

ClinVar aggregate classification (germline): Uncertain significance (1 of 4 stars; one submission).

Conditions:
Holoprosencephaly 11 (HPE11). Identifiers: Orphanet 2162, MedGen C3280215, MONDO:0013642, OMIM 614226.

gnomAD v4.1: 2 of 1,614,160 alleles (0.00012%); highest among the groups gnomAD compares: Admixed American, 0.0033%; no homozygotes.

Submission:

Labcorp Genetics (formerly Invitae), Labcorp
Classification: Uncertain significance for Holoprosencephaly 11. Last evaluated: 2025-04-23. Review status: criteria provided, single submitter. Criteria: Invitae Variant Classification Sherloc (09022015). Collection method: clinical testing. Allele origin: germline.
Comment: This sequence change replaces histidine, which is basic and polar, with leucine, which is neutral and non-polar, at codon 358 of the CDON protein (p.His358Leu). This variant is present in population databases (no rsID available, gnomAD 0.003%). This variant has not been reported in the literature in individuals affected with CDON-related conditions. Invitae Evidence Modeling of protein sequence and biophysical properties (such as structural, functional, and spatial information, amino acid conservation, physicochemical variation, residue mobility, and thermodynamic stability) indicates that this missense variant is not expected to disrupt CDON protein function with a negative predictive value of 80%. In summary, the available evidence is currently insufficient to determine the role of this variant in disease. Therefore, it has been classified as a Variant of Uncertain Significance.

NM_001378964.1(CDON):c.1073A>T (p.His358Leu)

Gene: CDON (cell adhesion associated, oncogene regulated; minus strand). Cytogenetic location: 11q24.2.
Variant type: single nucleotide variant.
Coding change: c.1073A>T on transcript NM_001378964.1 (MANE Select); coding-DNA position 1073, A replaced by T.
Protein change: p.His358Leu; replaces histidine 358 with leucine.
Molecular consequence: missense variant.
Genome position (GRCh38, 1-based): chr11:126,015,366, T>A on the plus strand (A>T on the coding strand, the complement: CDON is on the minus strand). VCF-style: chr11-126015366-T-A. GRCh37 (hg19) VCF-style: chr11-125885261-T-A.
Other names: c.1073A>T, p.His358Leu (NM_001243597.3, NM_001441161.1, NM_001441162.1 and 5 more transcripts); short protein forms H358L.
Identifiers: ClinVar variation 4812151 (VCV004812151.1).
Genomic context (GRCh38, chr11:126,015,366, plus strand): 5'-TACATCCCAACATCTTCCACAGTAACCCCACTGATTTTCAGTCCGTTTCCTGCAGTTAGA[T>A]GTCGTGCAGAAGGATGAATAGGCTGTGCATTGTGAAACCAGGTACAGTTGGGGGCTGGGT-3'
Protein context (NP_001365893.1, residues 348-368): NAQPIHPSAR[His358Leu]LTAGNGLKIS